The following is an entry in ClinVar:

NM_004260.4(RECQL4):c.461A>G (p.Lys154Arg)

Gene: RECQL4 (RecQ like helicase 4; minus strand). Cytogenetic location: 8q24.3.
Variant type: single nucleotide variant.
Coding change: c.461A>G on transcript NM_004260.4 (MANE Select); coding-DNA position 461, A replaced by G.
Protein change: p.Lys154Arg; replaces lysine 154 with arginine.
Molecular consequence: missense variant.
Genome position (GRCh38, 1-based): chr8:144,516,658, T>C on the plus strand (A>G on the coding strand, the complement: RECQL4 is on the minus strand). VCF-style: chr8-144516658-T-C. GRCh37 (hg19) VCF-style: chr8-145742042-T-C.
Other names: short protein forms K154R.
Identifiers: ClinVar variation 1023758 (VCV001023758.5), dbSNP rs1815075291, ClinGen allele CA372691395.

ClinVar aggregate classification (germline): Uncertain significance (1 of 4 stars; one submission).

Conditions:
Baller-Gerold syndrome (BGS). Also called: CRANIOSYNOSTOSIS WITH RADIAL DEFECTS. Identifiers: Orphanet 1225, MedGen C0265308, MONDO:0009039, OMIM 218600.

Allele frequency attached by ClinVar (database versions not stated): TOPMed below 0.00001; gnomAD 0.00001.
gnomAD v4.1: 1 of 1,602,190 alleles (0.000062%); highest among the groups gnomAD compares: African/African-American, 0.0013%; no homozygotes.

Submission:

Labcorp Genetics (formerly Invitae), Labcorp
Classification: Uncertain significance for Baller-Gerold syndrome. Last evaluated: 2023-09-20. Review status: criteria provided, single submitter. Criteria: Invitae Variant Classification Sherloc (09022015). Collection method: clinical testing. Allele origin: germline.
Comment: This variant has not been reported in the literature in individuals affected with RECQL4-related conditions. In summary, the available evidence is currently insufficient to determine the role of this variant in disease. Therefore, it has been classified as a Variant of Uncertain Significance. Advanced modeling of protein sequence and biophysical properties (such as structural, functional, and spatial information, amino acid conservation, physicochemical variation, residue mobility, and thermodynamic stability) performed at Invitae indicates that this missense variant is not expected to disrupt RECQL4 protein function. ClinVar contains an entry for this variant (Variation ID: 1023758). This variant is not present in population databases (gnomAD no frequency). This sequence change replaces lysine, which is basic and polar, with arginine, which is basic and polar, at codon 154 of the RECQL4 protein (p.Lys154Arg).